The following is an entry in ClinVar:

NM_000039.3(APOA1):c.43+4G>A

Genes: APOA1 (apolipoprotein A1; minus strand), APOA1-AS (APOA1 antisense RNA; plus strand). Cytogenetic location: 11q23.3.
Variant type: single nucleotide variant.
Coding change: c.43+4G>A on transcript NM_000039.3 (MANE Select); 4 bases into the intron after coding-DNA position 43, G replaced by A.
Molecular consequence: intron variant.
Genome position (GRCh38, 1-based): chr11:116,837,341, C>T on the plus strand (G>A on the coding strand, the complement: APOA1 is on the minus strand). VCF-style: chr11-116837341-C-T. GRCh37 (hg19) VCF-style: chr11-116708057-C-T.
Other names: c.-128+4G>A (NM_001425091.1); c.-241+4G>A (NM_001318021.2); c.-277+4G>A (NM_001425092.1); c.43+4G>A (NM_001425093.1, NM_001318018.2, NM_001318017.2 and 1 more transcripts).
Identifiers: ClinVar variation 1367466 (VCV001367466.6), dbSNP rs2134233719, ClinGen allele CA2573146819.

ClinVar aggregate classification (germline): Uncertain significance (1 of 4 stars; one submission).

Submission:

Labcorp Genetics (formerly Invitae), Labcorp
Classification: Uncertain significance. Last evaluated: 2021-07-21. Review status: criteria provided, single submitter. Criteria: Invitae Variant Classification Sherloc (09022015). Collection method: clinical testing. Allele origin: germline.
Comment: In summary, the available evidence is currently insufficient to determine the role of this variant in disease. Therefore, it has been classified as a Variant of Uncertain Significance. Nucleotide substitutions within the consensus splice site are a relatively common cause of aberrant splicing (PMID: 17576681, 9536098). Experimental studies and prediction algorithms are not available or were not evaluated, and the effect of this variant on mRNA splicing is currently unknown. This variant has not been reported in the literature in individuals affected with APOA1-related conditions. This variant is not present in population databases (ExAC no frequency). This sequence change falls in intron 2 of the APOA1 gene. It does not directly change the encoded amino acid sequence of the APOA1 protein. It affects a nucleotide within the consensus splice site of the intron.

Literature cited by the submitters: PubMed 17576681; PubMed 9536098.